The following is an entry in ClinVar:

NM_152328.5(ADSS1):c.919del (p.Ile307fs)

Gene: ADSS1 (adenylosuccinate synthase 1; plus strand). Cytogenetic location: 14q32.33.
Variant type: Deletion.
Coding change: c.919del on transcript NM_152328.5 (MANE Select); coding-DNA position 919, one base deleted (A; older notation c.919delA).
Protein change: p.Ile307fs; shifts the reading frame from isoleucine 307.
Molecular consequence: frameshift variant.
Genome position (GRCh38, 1-based): chr14:104,741,973, A deleted. VCF-style (leftmost placement, unchanged base first): chr14-104741972-CA-C. GRCh37 (hg19) VCF-style: chr14-105208309-CA-C.
Other names: c.1048del, p.Ile350fs (NM_199165.2); c.1048delA (NM_199165.2); c.304del, p.Ile102fs (NM_001320424.1); short protein forms I307fs, I102fs, I350fs.
Identifiers: ClinVar variation 243026 (VCV000243026.19), dbSNP rs559454746, ClinGen allele CA7373916.

ClinVar aggregate classification (germline): Pathogenic. Review status: criteria provided, multiple submitters, no conflicts (2 of 4 stars). 6 submissions from 6 submitters: Pathogenic (5). 1 of the submissions does not count toward it. Last evaluated 2025-12-15.

Conditions:
ADSS1-related disorder. Also called: ADSS1-related condition.
Myopathy, distal, 5 (MPD5). Also called: Adenylosuccinate synthetase-like 1-related distal myopathy. Identifiers: Orphanet 482601, MedGen C5567521, MONDO:0014877, OMIM 617030.

Allele frequency attached by ClinVar (database versions not stated): gnomAD 0.00003 and 0.00009; TOPMed 0.00003; gnomAD exomes 0.00009 and 0.00020; ExAC 0.00012; 1000 Genomes Project 30x 0.00047; 1000 Genomes Project 0.00060.

Submissions (6):

3billion
Classification: Pathogenic for Myopathy, distal, 5. Last evaluated: 2025-12-15. Review status: criteria provided, single submitter. Criteria: ACMG Guidelines, 2015. Collection method: clinical testing. Allele origin: germline. Affected: yes.
Comment: The variant is observed at an extremely low frequency in the gnomAD v4.1.0 dataset (total allele frequency: 0.018%). Predicted Consequence/Location: Frameshift: predicted to result in a loss or disruption of normal protein function through nonsense-mediated decay (NMD) or protein truncation. Multiple pathogenic variants are reported downstream of the variant. Functional studies provide moderate evidence of the variant having a damaging effect on the gene or gene product (PMID: 26506222). The variant has been reported to be in trans with a pathogenic variant as either compound heterozygous or homozygous in at least one similarly affected unrelated individual (3billion dataset). The variant has been reported to co-segregate with the disease in at least one similarly affected relative/individual in the same family or similarly affected unrelated families (PMID: 26506222). The variant has been reported at least twice as pathogenic with clinical assertions and evidence for the classification (ClinVar ID: VCV000243026 /PMID: 26506222 /3billion dataset). Therefore, this variant is classified as Pathogenic according to the recommendation of ACMG/AMP guideline.

Labcorp Genetics (formerly Invitae), Labcorp
Classification: Pathogenic. Last evaluated: 2025-08-21. Review status: criteria provided, single submitter. Criteria: Invitae Variant Classification Sherloc (09022015). Collection method: clinical testing. Allele origin: germline.
Comment: This sequence change creates a premature translational stop signal (p.Ile350Serfs*25) in the ADSSL1 gene. It is expected to result in an absent or disrupted protein product. Loss-of-function variants in ADSSL1 are known to be pathogenic (PMID: 26506222). This variant is present in population databases (rs559454746, gnomAD 0.1%). This premature translational stop signal has been observed in individual(s) with autosomal recessive distal myopathy (PMID: 26506222, 27868399, 28268051). It has also been observed to segregate with disease in related individuals. ClinVar contains an entry for this variant (Variation ID: 243026). For these reasons, this variant has been classified as Pathogenic.

PreventionGenetics, part of Exact Sciences
Classification: Pathogenic for ADSS1-related condition. Last evaluated: 2024-12-11. Review status: criteria provided, single submitter. Criteria: ACMG Guidelines, 2015. Collection method: clinical testing. Allele origin: germline.
Comment: The ADSS1 c.1048delA variant is predicted to result in a frameshift and premature protein termination (p.Ile350Serfs*25). This variant has been reported in individuals with autosomal recessive adolescent-onset distal myopathy, and both functional and familial segregation studies support its pathogenicity (Park et al. 2016. PubMed ID: 26506222; Saito et al. 2020. PubMed ID: 32646962). This variant is reported in 0.11% of alleles in individuals of East Asian descent in gnomAD. Frameshift variants in ADSS1 are expected to be pathogenic. This variant is interpreted as pathogenic.

Women's Health and Genetics/Laboratory Corporation of America, LabCorp
Classification: Pathogenic for Myopathy, distal, 5. Last evaluated: 2024-12-11. Review status: criteria provided, single submitter. Criteria: LabCorp Variant Classification Summary - May 2015. Collection method: clinical testing. Allele origin: germline.
Comment: Variant summary: ADSS1 c.1048delA (p.Ile350SerfsX25) results in a premature termination codon, predicted to cause a truncation of the encoded protein or absence of the protein due to nonsense mediated decay, which are commonly known mechanisms for disease. The variant was absent in 282242 control chromosomes. c.1048delA has been reported in the literature in multiple individuals affected with Myopathy, Distal, 5, including as a compound heterozygous genotype (e.g. Park_2017). These data indicate that the variant is very likely to be associated with disease. To our knowledge, no experimental evidence demonstrating an impact on protein function has been reported. The following publication has been ascertained in the context of this evaluation (PMID: 28268051). ClinVar contains an entry for this variant (Variation ID: 243026). Based on the evidence outlined above, the variant was classified as pathogenic.

Mendelics
Classification: Pathogenic for Myopathy, distal, 5. Last evaluated: 2022-05-04. Review status: criteria provided, single submitter. Criteria: Mendelics Assertion Criteria 2019. Collection method: clinical testing. Allele origin: germline.

OMIM
Classification: Pathogenic for MYOPATHY, DISTAL, 5. Last evaluated: 2016-07-15. Review status: no assertion criteria provided. Collection method: literature only. Allele origin: germline. Not counted in ClinVar's aggregate classification.

Literature cited by the submitters: PubMed 26506222 (cited by 3 submitters); PubMed 27868399 (cited by Labcorp Genetics (formerly Invitae), Labcorp); PubMed 28268051 (cited by Labcorp Genetics (formerly Invitae), Labcorp and Women's Health and Genetics/Laboratory Corporation of America, LabCorp).